The following is an entry in ClinVar:

NM_000540.3(RYR1):c.1577-15C>T

Gene: RYR1 (ryanodine receptor 1; plus strand). Cytogenetic location: 19q13.2.
Variant type: single nucleotide variant.
Coding change: c.1577-15C>T on transcript NM_000540.3 (MANE Select); 15 bases into the intron before coding-DNA position 1577, C replaced by T.
Molecular consequence: intron variant.
Genome position (GRCh38, 1-based): chr19:38,455,436, C>T. VCF-style: chr19-38455436-C-T. GRCh37 (hg19) VCF-style: chr19-38946076-C-T.
Other names: c.1577-15C>T (NM_001042723.2).
Identifiers: ClinVar variation 2726060 (VCV002726060.4), dbSNP rs2514026575, ClinGen allele CA2697556535.
Genomic context (GRCh38, chr19:38,455,436, plus strand): 5'-GGTCCCAGTCCTGACTCCCCTGAGAACACCCCAGATCCCCAGTCCTATTGGATCTGACAC[C>T]TCTTCCCCCCTCAGCTTCTCTAATCCGTGGCAATCGTAGCAACTGTGCCCTCTTCTCCAC-3'

ClinVar aggregate classification (germline): Likely benign. Review status: criteria provided, multiple submitters, no conflicts (2 of 4 stars). 2 submissions from 2 submitters: Likely benign (2). Last evaluated 2024-02-22.

Conditions:
RYR1-related disorder. Also called: RYR1-related disorders; RYR1-related condition. Identifiers: MedGen CN239331.
Malignant hyperthermia, susceptibility to, 1 (MHS1). Also called: Anesthesia related hyperthermia; Malignant hyperpyrexia; Fulminating hyperpyrexia; Pharmacogenic myopathy; RYR1-Related Malignant Hyperthermia Susceptibility; Malignant hyperthermia suceptibility 1. Identifiers: Orphanet 423, MedGen C2930980, MONDO:0007783, OMIM 145600.

Submissions (2):

All of Us Research Program, National Institutes of Health
Classification: Likely benign for Malignant hyperthermia, susceptibility to, 1. Last evaluated: 2024-02-22. Review status: criteria provided, single submitter. Criteria: ACMG Guidelines, 2015. Collection method: clinical testing. Allele origin: germline. Inheritance: Autosomal dominant inheritance. Observed: 1 variant allele, 1 heterozygote.
Comment: This study involves interpretation of variants in research participants for the purpose of population health screening. Participant phenotype was not available at the time of variant classification. Additional details can be found in publication PMID: 35346344, PMCID: PMC8962531

Labcorp Genetics (formerly Invitae), Labcorp
Classification: Likely benign for RYR1-related disorder. Last evaluated: 2023-06-09. Review status: criteria provided, single submitter. Criteria: Invitae Variant Classification Sherloc (09022015). Collection method: clinical testing. Allele origin: germline.